The following is an entry in ClinVar:

NM_006950.3(SYN1):c.604G>T (p.Val202Phe)

Gene: SYN1 (synapsin I; minus strand). Cytogenetic location: Xp11.23.
Variant type: single nucleotide variant.
Coding change: c.604G>T on transcript NM_006950.3 (MANE Select); coding-DNA position 604, G replaced by T.
Protein change: p.Val202Phe; replaces valine 202 with phenylalanine.
Molecular consequence: missense variant.
Genome position (GRCh38, 1-based): chrX:47,605,303, C>A on the plus strand (G>T on the coding strand, the complement: SYN1 is on the minus strand). VCF-style: chrX-47605303-C-A. GRCh37 (hg19) VCF-style: chrX-47464702-C-A.
Other names: c.604G>T, p.Val202Phe (NM_133499.2); short protein forms V202F.
Identifiers: ClinVar variation 3722313 (VCV003722313.2).

ClinVar aggregate classification (germline): Uncertain significance (1 of 4 stars; one submission).

Conditions:
Epilepsy, X-linked 1, with variable learning disabilities and behavior disorders. Also called: X-linked epilepsy-learning disabilities-behavior disorders syndrome. Identifiers: Orphanet 85294, MedGen C5774177, MONDO:0010339, OMIM 300491.

Submission:

Labcorp Genetics (formerly Invitae), Labcorp
Classification: Uncertain significance for Epilepsy, X-linked 1, with variable learning disabilities and behavior disorders. Last evaluated: 2025-02-17. Review status: criteria provided, single submitter. Criteria: Invitae Variant Classification Sherloc (09022015). Collection method: clinical testing. Allele origin: germline.
Comment: This sequence change replaces valine, which is neutral and non-polar, with phenylalanine, which is neutral and non-polar, at codon 202 of the SYN1 protein (p.Val202Phe). This variant is not present in population databases (gnomAD no frequency). This variant has not been reported in the literature in individuals affected with SYN1-related conditions. An algorithm developed to predict the effect of missense changes on protein structure and function (PolyPhen-2) suggests that this variant is likely to be disruptive. In summary, the available evidence is currently insufficient to determine the role of this variant in disease. Therefore, it has been classified as a Variant of Uncertain Significance.